The following is an entry in ClinVar:

ClinVar aggregate classification (germline): Pathogenic (1 of 4 stars; one submission).

Conditions:
Intellectual developmental disorder, autosomal dominant 6, with or without seizures. Also called: GRIN2B-related developmental delay, intellectual disability and autism spectrum disorder; Intellectual disability, autosomal dominant 6. Identifiers: Orphanet 589547, MedGen C3151411, MONDO:0013509, OMIM 613970.
Developmental and epileptic encephalopathy, 27 (DEE27). Also called: Epileptic encephalopathy, early infantile, 27; GRIN2B-Related Neurodevelopmental Disorder. Identifiers: Orphanet 3451, MedGen C4015316, MONDO:0014505, OMIM 616139.

Submission:

Labcorp Genetics (formerly Invitae), Labcorp
Classification: Pathogenic for Developmental and epileptic encephalopathy, 27; Intellectual developmental disorder, autosomal dominant 6, with or without seizures. Last evaluated: 2023-04-07. Review status: criteria provided, single submitter. Criteria: Invitae Variant Classification Sherloc (09022015). Collection method: clinical testing. Allele origin: germline.
Comment: For these reasons, this variant has been classified as Pathogenic. Variants that disrupt the consensus splice site are a relatively common cause of aberrant splicing (PMID: 17576681, 9536098). Algorithms developed to predict the effect of sequence changes on RNA splicing suggest that this variant may disrupt the consensus splice site. This variant has been observed in individual(s) with clinical features of GRIN2B-related conditions (Invitae). In at least one individual the variant was observed to be de novo. This variant is not present in population databases (gnomAD no frequency). This sequence change falls in intron 11 of the GRIN2B gene. It does not directly change the encoded amino acid sequence of the GRIN2B protein. It affects a nucleotide within the consensus splice site.

Literature cited by the submitters: PubMed 17576681; PubMed 9536098.

NM_000834.5(GRIN2B):c.2352_2359+2dup

Gene: GRIN2B (glutamate ionotropic receptor NMDA type subunit 2B; minus strand). Cytogenetic location: 12p13.1.
Variant type: Duplication.
Coding change: c.2352_2359+2dup on transcript NM_000834.5 (MANE Select); coding-DNA position 2352 through the canonical splice donor site of the intron after coding-DNA position 2359, 10 bases duplicated (TGGAGATGGT; older notation c.2352_2359+2dupTGGAGATGGT).
Molecular consequence: splice donor variant.
Genome position (GRCh38, 1-based): chr12:13,569,828-13,569,837, ACCATCTCCA duplicated on the plus strand (TGGAGATGGT on the coding strand, the reverse complement: GRIN2B is on the minus strand); duplicating any 10 consecutive bases within chr12:13,569,828-13,569,838 gives the same sequence; the c. name uses the placement nearest the transcript's 3' end. VCF-style (leftmost placement, unchanged base first): chr12-13569827-C-CACCATCTCCA. GRCh37 (hg19) VCF-style: chr12-13722761-C-CACCATCTCCA.
Other names: c.2352_2359+2dup (NM_001413992.1).
Identifiers: ClinVar variation 2943983 (VCV002943983.3), dbSNP rs2497481899, ClinGen allele CA2740092337.
Genomic context (GRCh38, chr12:13,569,827, plus strand): 5'-GTTGATGTTTTGGACTGGCCATCAGTAGAGGACAAATGGGCACTTTCCCTTTCTTGAACT[C>CACCATCTCCA]ACCATCTCCAAAGAGCTGCAGGATAGCAAGGTCCACCTGGCGCTTCCACCCAGAATCTTT-3'